The following is an entry in ClinVar:

ClinVar aggregate classification (germline): Conflicting classifications of pathogenicity. Review status: criteria provided, conflicting classifications (1 of 4 stars). 12 submissions from 11 submitters: Likely pathogenic (3); Uncertain significance (9). Last evaluated 2026-01-24.

Conditions:
Myopathy caused by variation in POMGNT1. Identifiers: MedGen CN305639, MONDO:0700068.
Muscular dystrophy-dystroglycanopathy (congenital with brain and eye anomalies), type A3. Also called: Congenital muscular dystrophy-dystroglycanopathy with brain and eye anomalies, type A3; WALKER-WARBURG SYNDROME OR MUSCLE-EYE-BRAIN DISEASE, POMGNT1-RELATED; Muscular dystrophy-dystroglycanopathy (congenital with brain and eye anomalies), type A, 3. Identifiers: MedGen C3151519, MONDO:0009667, OMIM 253280.
Muscular dystrophy-dystroglycanopathy (congenital with impaired intellectual development), type B, 3. Also called: Muscular dystrophy-dystroglycanopathy (congenital with intellectual disability), type B3; MUSCULAR DYSTROPHY, CONGENITAL, POMGNT1-RELATED. Identifiers: MedGen C3150412, MONDO:0013155, OMIM 613151.
Retinitis pigmentosa 76 (RP76). Identifiers: MedGen C4310704, MONDO:0014929, OMIM 617123.
Autosomal recessive limb-girdle muscular dystrophy type 2O. Also called: MUSCULAR DYSTROPHY-DYSTROGLYCANOPATHY, LIMB-GIRDLE, POMGNT1-RELATED; Limb-Girdle Muscular Dystrophy Type 3C; MUSCULAR DYSTROPHY-DYSTROGLYCANOPATHY (LIMB-GIRDLE), TYPE C, 3. Identifiers: Orphanet 206564, MedGen C3150417, MONDO:0013161, OMIM 613157.
Muscle eye brain disease (MEB). Also called: Santavuori congenital muscular dystrophy. Identifiers: Orphanet 588, Orphanet 899, MedGen C0457133, MONDO:0018939.
Inborn genetic diseases. Identifiers: MedGen C0950123, MeSH D030342.
Retinal dystrophy. Also called: Inherited retinal dystrophy. Identifiers: Orphanet 71862, MedGen C0854723, MeSH D058499, MONDO:0019118, HP:0000556.
Muscular dystrophy-dystroglycanopathy. Also called: Congenital muscular dystrophy due to dystroglycanopathy. Identifiers: Orphanet 370953, MedGen C5679911, MONDO:0018276.

Allele frequency attached by ClinVar (database versions not stated): gnomAD 0.00001; ESP Exome Variant Server 0.00008; TOPMed 0.00003.
gnomAD v4.1: 72 of 1,614,084 alleles (0.0045%); highest among the groups gnomAD compares: Admixed American, 0.01%; no homozygotes.

Submissions (12):

Labcorp Genetics (formerly Invitae), Labcorp
Classification: Likely pathogenic for Autosomal recessive limb-girdle muscular dystrophy type 2O; Muscular dystrophy-dystroglycanopathy (congenital with impaired intellectual development), type B, 3. Last evaluated: 2026-01-24. Review status: criteria provided, single submitter. Criteria: Invitae Variant Classification Sherloc (09022015). Collection method: clinical testing. Allele origin: germline.
Comment: This sequence change replaces isoleucine, which is neutral and non-polar, with threonine, which is neutral and polar, at codon 337 of the POMGNT1 protein (p.Ile337Thr). This variant is present in population databases (rs138745073, gnomAD 0.01%). This missense change has been observed in individual(s) with clinical features of retinitis pigmentosa (internal data). In at least one individual the data is consistent with being in trans (on the opposite chromosome) from a pathogenic variant. It has also been observed to segregate with disease in related individuals. ClinVar contains an entry for this variant (Variation ID: 285192). Invitae Evidence Modeling of protein sequence and biophysical properties (such as structural, functional, and spatial information, amino acid conservation, physicochemical variation, residue mobility, and thermodynamic stability) has been performed for this missense variant. However, the output from this modeling did not meet the statistical confidence thresholds required to predict the impact of this variant on POMGNT1 protein function. In summary, the currently available evidence indicates that the variant is pathogenic, but additional data are needed to prove that conclusively. Therefore, this variant has been classified as Likely Pathogenic.

Myriad Genetics, Inc.
Classification: Uncertain significance for Myopathy caused by variation in POMGNT1. Last evaluated: 2025-11-21. Review status: criteria provided, single submitter. Criteria: Myriad Autosomal Dominant, Autosomal Recessive and X-Linked Classification Criteria (2023). Collection method: clinical testing. Allele origin: unknown.
Comment: NM_017739.3(POMGNT1):c.1010T>C(I337T) is a missense variant classified as a variant of uncertain significance in the context of POMGNT-related disorders. I337T has been observed in a case with relevant disease (PMID: 38137617). Relevant functional assessments of this variant are not available in the literature. I337T has been observed in referenced population frequency databases. In summary, there is insufficient evidence to classify NM_017739.3(POMGNT1):c.1010T>C(I337T) as pathogenic or benign. Please note: this variant was assessed in the context of healthy population screening.

Broad Center for Mendelian Genomics, Broad Institute of MIT and Harvard
Classification: Uncertain significance for Muscular dystrophy-dystroglycanopathy. Last evaluated: 2025-04-29. Review status: criteria provided, single submitter. Criteria: ACMG Guidelines, 2015. Collection method: curation. Allele origin: germline. Inheritance: Autosomal recessive inheritance.
Comment: The p.Ile337Thr variant in POMGNT1 has not been previously reported in the literature in individuals with muscular dystrophy-dystroglycanopathy, but has been identified in 0.01% (6/60000) of Admixed American chromosomes by the Genome Aggregation Database (gnomAD; dbSNP ID: rs138745073). Although this variant has been seen in the general population in a heterozygous state, its frequency is low enough to be consistent with a recessive carrier frequency. This variant has also been reported in ClinVar (VCV000285192.16) as likely pathogenic by Labcorp Genetics, and as a variant of uncertain significance by Eurofins Ntd Llc, Fulgent Genetics, GeneDx, Revvity Omics, Dept Of Ophthalmology (Nagoya University), and Ambry Genetics. Computational prediction tools and conservation analyses suggest that this variant may impact the protein, though this information is not predictive enough to determine pathogenicity. In summary, the clinical significance of the p.Ile337Thr variant is uncertain. ACMG/AMP Criteria applied: PM2_Supporting, PP3_moderate (Richards 2015).

Athena Diagnostics
Classification: Uncertain significance. Last evaluated: 2025-04-16. Review status: criteria provided, single submitter. Criteria: Athena Diagnostics Criteria. Collection method: clinical testing. Allele origin: unknown.
Comment: Available data are insufficient to determine the clinical significance of the variant at this time. The frequency of this variant in the general population is uninformative in assessment of its pathogenicity. This variant has been identified in at least one individual with clinical features associated with autosomal recessive retinitis pigmentosa. Polyphen and MutationTaster predict this amino acid change may be damaging to the protein.

Revvity Omics, Revvity
Classification: Likely pathogenic. Last evaluated: 2025-02-24. Review status: criteria provided, single submitter. Criteria: ACMG Guidelines, 2015. Collection method: clinical testing. Allele origin: germline.

Fulgent Genetics
Classification: Likely pathogenic for Muscular dystrophy-dystroglycanopathy (congenital with brain and eye anomalies), type A3; Muscular dystrophy-dystroglycanopathy (congenital with impaired intellectual development), type B, 3; Autosomal recessive limb-girdle muscular dystrophy type 2O; Retinitis pigmentosa 76. Last evaluated: 2024-06-02. Review status: criteria provided, single submitter. Criteria: ACMG Guidelines, 2015. Collection method: clinical testing. Allele origin: germline.

Dept Of Ophthalmology, Nagoya University
Classification: Uncertain significance for Retinal dystrophy. Last evaluated: 2023-10-01. Review status: criteria provided, single submitter. Criteria: Submitter's publication. Collection method: research. Allele origin: germline. Affected: yes.

GeneDx
Classification: Uncertain significance. Last evaluated: 2022-05-05. Review status: criteria provided, single submitter. Criteria: GeneDx Variant Classification Process June 2021. Collection method: clinical testing. Allele origin: germline. Affected: yes.
Comment: Not observed at significant frequency in large population cohorts (gnomAD); In silico analysis supports that this missense variant has a deleterious effect on protein structure/function; Has not been previously published as pathogenic or benign to our knowledge; This variant is associated with the following publications: (PMID: 24282183, 30564623)

Ambry Genetics
Classification: Uncertain significance for Inborn genetic diseases. Last evaluated: 2021-04-21. Review status: criteria provided, single submitter. Criteria: Ambry Variant Classification Scheme 2023. Collection method: clinical testing. Allele origin: germline.
Comment: The c.1010T>C (p.I337T) alteration is located in exon 11 (coding exon 10) of the POMGNT1 gene. This alteration results from a T to C substitution at nucleotide position 1010, causing the isoleucine (I) at amino acid position 337 to be replaced by a threonine (T). The p.I337T alteration is predicted to be deleterious by in silico analysis. Based on insufficient or conflicting evidence, the clinical significance of this alteration remains unclear.

Blueprint Genetics
Classification: Uncertain significance. Last evaluated: 2020-06-17. Review status: criteria provided, single submitter. Criteria: ACMG Guidelines, 2015. Collection method: clinical testing. Allele origin: germline.

Fulgent Genetics
Classification: Uncertain significance for Muscular dystrophy-dystroglycanopathy (congenital with brain and eye anomalies), type A3; Muscular dystrophy-dystroglycanopathy (congenital with impaired intellectual development), type B, 3; Autosomal recessive limb-girdle muscular dystrophy type 2O; Retinitis pigmentosa 76. Last evaluated: 2018-10-31. Review status: criteria provided, single submitter. Criteria: ACMG Guidelines, 2015. Collection method: clinical testing. Allele origin: unknown.

Eurofins Ntd Llc (ga)
Classification: Uncertain significance. Last evaluated: 2015-12-22. Review status: criteria provided, single submitter. Criteria: EGL Classification Definitions 2015. Collection method: clinical testing. Allele origin: germline. Observed: 2 variant alleles, 2 heterozygotes.

Literature cited by the submitters: PubMed 38137617 (cited by Myriad Genetics, Inc. and Athena Diagnostics).

NM_017739.4(POMGNT1):c.1010T>C (p.Ile337Thr)

Genes: POMGNT1 (protein O-linked mannose N-acetylglucosaminyltransferase 1 (beta 1,2-); minus strand), TSPAN1 (tetraspanin 1; plus strand). Cytogenetic location: 1p34.1.
Variant type: single nucleotide variant.
Coding change: c.1010T>C on transcript NM_017739.4 (MANE Select); coding-DNA position 1010, T replaced by C.
Protein change: p.Ile337Thr; replaces isoleucine 337 with threonine.
Molecular consequence: missense variant.
Genome position (GRCh38, 1-based): chr1:46,193,580, A>G on the plus strand (T>C on the coding strand, the complement: POMGNT1 is on the minus strand). VCF-style: chr1-46193580-A-G. GRCh37 (hg19) VCF-style: chr1-46659252-A-G.
Other names: NM_017739.4(POMGNT1):c.1010T>C; p.Ile337Thr; c.1010T>C, p.Ile337Thr (NM_001243766.2, NM_001410783.1); c.944T>C, p.Ile315Thr (NM_001290129.3); c.581T>C, p.Ile194Thr (NM_001290130.2); short protein forms I337T, I194T, I315T.
Identifiers: ClinVar variation 285192 (VCV000285192.22), dbSNP rs138745073, ClinGen allele CA833537.
Genomic context (GRCh38, chr1:46,193,580, plus strand): 5'-TCCATGTTGTACTCCACCCGAGGCACCCCCCAAGTCCTGCTCACCTCATAGTAGCCGTCA[A>G]TGAAAACTGTTATCATCTGAGGAGACACCCCCTGGGCTGAAAGCAGAGAGCGCAGCATCC-3'
Protein context (NP_060209.4, residues 327-347): GVSPQMITVF[Ile337Thr]DGYYEEPMDV